The following is an entry in ClinVar:

ClinVar aggregate classification (germline): Uncertain significance (1 of 4 stars; one submission).

Submission:

Ambry Genetics
Classification: Uncertain significance. Last evaluated: 2024-07-13. Review status: criteria provided, single submitter. Criteria: Ambry Variant Classification Scheme 2023. Collection method: clinical testing. Allele origin: germline.
Comment: The p.P1100R variant (also known as c.3299C>G), located in coding exon 4 of the ALPK2 gene, results from a C to G substitution at nucleotide position 3299. The proline at codon 1100 is replaced by arginine, an amino acid with dissimilar properties. This amino acid position is conserved. In addition, this alteration is predicted to be tolerated by in silico analysis. Based on the available evidence, the clinical significance of this variant remains unclear.

NM_052947.4(ALPK2):c.3299C>G (p.Pro1100Arg)

Gene: ALPK2 (alpha kinase 2; minus strand). Cytogenetic location: 18q21.31.
Variant type: single nucleotide variant.
Coding change: c.3299C>G on transcript NM_052947.4 (MANE Select); coding-DNA position 3299, C replaced by G.
Protein change: p.Pro1100Arg; replaces proline 1100 with arginine.
Molecular consequence: missense variant.
Genome position (GRCh38, 1-based): chr18:58,536,888, G>C on the plus strand (C>G on the coding strand, the complement: ALPK2 is on the minus strand). VCF-style: chr18-58536888-G-C. GRCh37 (hg19) VCF-style: chr18-56204120-G-C.
Other names: short protein forms P1100R.
Identifiers: ClinVar variation 3529777 (VCV003529777.1).